The following is an entry in ClinVar:

NM_005751.5(AKAP9):c.5732A>T (p.Glu1911Val)

Gene: AKAP9 (A-kinase anchoring protein 9; plus strand). Cytogenetic location: 7q21.2.
Variant type: single nucleotide variant.
Coding change: c.5732A>T on transcript NM_005751.5 (MANE Select); coding-DNA position 5732, A replaced by T.
Protein change: p.Glu1911Val; replaces glutamic acid 1911 with valine.
Molecular consequence: missense variant.
Genome position (GRCh38, 1-based): chr7:92,061,390, A>T. VCF-style: chr7-92061390-A-T. GRCh37 (hg19) VCF-style: chr7-91690704-A-T.
Other names: c.377A>T, p.Glu126Val (NM_001379277.1); c.5732A>T, p.Glu1911Val (NM_147185.3); short protein forms E126V, E1911V.
Identifiers: ClinVar variation 3515926 (VCV003515926.2).

ClinVar aggregate classification (germline): Uncertain significance. Review status: criteria provided, multiple submitters, no conflicts (2 of 4 stars). 2 submissions from 2 submitters: Uncertain significance (2). Last evaluated 2026-01-12.

Conditions:
Cardiovascular phenotype. Identifiers: MedGen CN230736.
Long QT syndrome (LQTS). Identifiers: MedGen C0023976, MeSH D008133, MONDO:0002442. Disease mechanism: loss of function. Inheritance: Various modes of inheritance.

gnomAD v4.1: 1 of 1,612,730 alleles (0.000062%); highest among the groups gnomAD compares: African/African-American, 0.0013%; no homozygotes.

Submissions (2):

Labcorp Genetics (formerly Invitae), Labcorp
Classification: Uncertain significance for Long QT syndrome. Last evaluated: 2026-01-12. Review status: criteria provided, single submitter. Criteria: Invitae Variant Classification Sherloc (09022015). Collection method: clinical testing. Allele origin: germline.
Comment: This sequence change replaces glutamic acid, which is acidic and polar, with valine, which is neutral and non-polar, at codon 1911 of the AKAP9 protein (p.Glu1911Val). This variant is not present in population databases (gnomAD no frequency). This variant has not been reported in the literature in individuals affected with AKAP9-related conditions. ClinVar contains an entry for this variant (Variation ID: 3515926). An algorithm developed to predict the effect of missense changes on protein structure and function (PolyPhen-2) suggests that this variant is likely to be disruptive. In summary, the available evidence is currently insufficient to determine the role of this variant in disease. Therefore, it has been classified as a Variant of Uncertain Significance.

Ambry Genetics
Classification: Uncertain significance for Cardiovascular phenotype. Last evaluated: 2024-11-17. Review status: criteria provided, single submitter. Criteria: Ambry Variant Classification Scheme 2023. Collection method: clinical testing. Allele origin: germline.
Comment: The p.E1911V variant (also known as c.5732A>T), located in coding exon 23 of the AKAP9 gene, results from an A to T substitution at nucleotide position 5732. The glutamic acid at codon 1911 is replaced by valine, an amino acid with dissimilar properties. This amino acid position is conserved. In addition, this alteration is predicted to be tolerated by in silico analysis. Based on the available evidence, the clinical significance of this variant remains unclear.